The following is an entry in ClinVar:

ClinVar aggregate classification (germline): Uncertain significance. Review status: criteria provided, multiple submitters, no conflicts (2 of 4 stars). 3 submissions from 3 submitters: Uncertain significance (3). Last evaluated 2025-06-18.

Conditions:
Emery-Dreifuss muscular dystrophy 5, autosomal dominant (EDMD5). Also called: EMERY-DREIFUSS MUSCULAR DYSTROPHY 5. Identifiers: Orphanet 261, MedGen C2751805, MONDO:0013072, OMIM 612999.

Allele frequency attached by ClinVar (database versions not stated): ExAC 0.00001; gnomAD 0.00001; gnomAD exomes 0.00001; TOPMed 0.00002.
gnomAD v4.1: 18 of 1,613,810 alleles (0.0011%); highest among the groups gnomAD compares: Non-Finnish European, 0.0015%; no homozygotes.

Submissions (3):

Revvity Omics, Revvity
Classification: Uncertain significance for Emery-Dreifuss muscular dystrophy 5, autosomal dominant. Last evaluated: 2025-06-18. Review status: criteria provided, single submitter. Criteria: ACMG Guidelines, 2015. Collection method: clinical testing. Allele origin: germline.

Labcorp Genetics (formerly Invitae), Labcorp
Classification: Uncertain significance for Emery-Dreifuss muscular dystrophy 5, autosomal dominant. Last evaluated: 2024-11-30. Review status: criteria provided, single submitter. Criteria: Invitae Variant Classification Sherloc (09022015). Collection method: clinical testing. Allele origin: germline.
Comment: This sequence change replaces glutamic acid, which is acidic and polar, with glycine, which is neutral and non-polar, at codon 5517 of the SYNE2 protein (p.Glu5517Gly). This variant is present in population databases (rs765353232, gnomAD 0.003%). This variant has not been reported in the literature in individuals affected with SYNE2-related conditions. ClinVar contains an entry for this variant (Variation ID: 931335). An algorithm developed to predict the effect of missense changes on protein structure and function (PolyPhen-2) suggests that this variant is likely to be disruptive. In summary, the available evidence is currently insufficient to determine the role of this variant in disease. Therefore, it has been classified as a Variant of Uncertain Significance.

Centre for Mendelian Genomics, University Medical Centre Ljubljana
Classification: Uncertain significance for Emery-Dreifuss muscular dystrophy 5, autosomal dominant. Last evaluated: 2020-04-02. Review status: criteria provided, single submitter. Criteria: ACMG Guidelines, 2015. Collection method: clinical testing. Allele origin: unknown. Affected: yes.
Comment: This variant was classified as: Uncertain significance. The available evidence on this variant's pathogenicity is insufficient or conflicting. The following ACMG criteria were applied in classifying this variant: PP3,BP1.

NM_182914.3(SYNE2):c.16550A>G (p.Glu5517Gly)

Gene: SYNE2 (spectrin repeat containing nuclear envelope protein 2; plus strand). Cytogenetic location: 14q23.2.
Variant type: single nucleotide variant.
Coding change: c.16550A>G on transcript NM_182914.3 (MANE Select); coding-DNA position 16550, A replaced by G.
Protein change: p.Glu5517Gly; replaces glutamic acid 5517 with glycine.
Molecular consequence: missense variant.
Genome position (GRCh38, 1-based): chr14:64,165,355, A>G. VCF-style: chr14-64165355-A-G. GRCh37 (hg19) VCF-style: chr14-64632073-A-G.
Other names: c.16550A>G, p.Glu5517Gly (NM_015180.6); short protein forms E5517G.
Identifiers: ClinVar variation 931335 (VCV000931335.9), dbSNP rs765353232, ClinGen allele CA7223407.